The following is an entry in ClinVar:

ClinVar aggregate classification (germline): Uncertain significance (1 of 4 stars; one submission).

Conditions:
Hereditary cancer-predisposing syndrome. Also called: Neoplastic Syndromes, Hereditary; Tumor predisposition; Hereditary Cancer Syndrome; Hereditary neoplastic syndrome. Identifiers: Orphanet 140162, MedGen C0027672, MeSH D009386, MONDO:0015356.

Submission:

Ambry Genetics
Classification: Uncertain significance for Hereditary cancer-predisposing syndrome. Last evaluated: 2026-02-15. Review status: criteria provided, single submitter. Criteria: Ambry Variant Classification Scheme 2023. Collection method: clinical testing. Allele origin: germline.
Comment: The p.L616P variant (also known as c.1847T>C), located in coding exon 14 of the POLD1 gene, results from a T to C substitution at nucleotide position 1847. The leucine at codon 616 is replaced by proline, an amino acid with similar properties. This amino acid position is conserved. In addition, this alteration is predicted to be deleterious by in silico analysis. Based on the available evidence, the clinical significance of this variant remains unclear.

NM_002691.4(POLD1):c.1847T>C (p.Leu616Pro)

Gene: POLD1 (DNA polymerase delta 1, catalytic subunit; plus strand). Cytogenetic location: 19q13.33.
Variant type: single nucleotide variant.
Coding change: c.1847T>C on transcript NM_002691.4 (MANE Select); coding-DNA position 1847, T replaced by C.
Protein change: p.Leu616Pro; replaces leucine 616 with proline.
Molecular consequence: missense variant. On other transcripts: non-coding transcript variant (1).
Genome position (GRCh38, 1-based): chr19:50,408,856, T>C. VCF-style: chr19-50408856-T-C. GRCh37 (hg19) VCF-style: chr19-50912113-T-C.
Other names: c.1847T>C, p.Leu616Pro (NM_001256849.1, NM_001438210.1, NM_001438211.1 and 2 more transcripts); c.1925T>C, p.Leu642Pro (NM_001308632.1); short protein forms L616P, L642P.
Identifiers: ClinVar variation 4844394 (VCV004844394.1).